The following is an entry in ClinVar:

NM_006767.4(LZTR1):c.401G>C (p.Gly134Ala)

Gene: LZTR1 (leucine zipper like post translational regulator 1; plus strand). Cytogenetic location: 22q11.21.
Variant type: single nucleotide variant.
Coding change: c.401G>C on transcript NM_006767.4 (MANE Select); coding-DNA position 401, G replaced by C.
Protein change: p.Gly134Ala; replaces glycine 134 with alanine.
Molecular consequence: missense variant.
Genome position (GRCh38, 1-based): chr22:20,988,010, G>C. VCF-style: chr22-20988010-G-C. GRCh37 (hg19) VCF-style: chr22-21342299-G-C.
Other names: short protein forms G134A.
Identifiers: ClinVar variation 1737099 (VCV001737099.2), dbSNP rs2518613182, ClinGen allele CA410779576.

ClinVar aggregate classification (germline): Uncertain significance (1 of 4 stars; one submission).

Conditions:
Hereditary cancer-predisposing syndrome. Also called: Neoplastic Syndromes, Hereditary; Tumor predisposition; Hereditary Cancer Syndrome; Hereditary neoplastic syndrome. Identifiers: Orphanet 140162, MedGen C0027672, MeSH D009386, MONDO:0015356.
Cardiovascular phenotype. Identifiers: MedGen CN230736.

Submission:

Ambry Genetics
Classification: Uncertain significance for Cardiovascular phenotype; Hereditary cancer-predisposing syndrome. Last evaluated: 2021-02-23. Review status: criteria provided, single submitter. Criteria: Ambry Variant Classification Scheme 2023. Collection method: clinical testing. Allele origin: germline.
Comment: The p.G134A variant (also known as c.401G>C) is located in coding exon 5 of the LZTR1 gene. The glycine at codon 134 is replaced by alanine, an amino acid with similar properties. This change occurs in the first base pair of coding exon 5. This amino acid position is highly conserved in available vertebrate species. In addition, this alteration is predicted to be deleterious by in silico analysis. Since supporting evidence is limited at this time, the clinical significance of this alteration remains unclear.